The following is an entry in ClinVar:

NM_003924.4(PHOX2B):c.803G>T (p.Gly268Val)

Gene: PHOX2B (paired like homeobox 2B; minus strand). Cytogenetic location: 4p13.
Variant type: single nucleotide variant.
Coding change: c.803G>T on transcript NM_003924.4 (MANE Select); coding-DNA position 803, G replaced by T.
Protein change: p.Gly268Val; replaces glycine 268 with valine.
Molecular consequence: missense variant.
Genome position (GRCh38, 1-based): chr4:41,745,949, C>A on the plus strand (G>T on the coding strand, the complement: PHOX2B is on the minus strand). VCF-style: chr4-41745949-C-A. GRCh37 (hg19) VCF-style: chr4-41747966-C-A.
Other names: short protein forms G268V.
Identifiers: ClinVar variation 860682 (VCV000860682.12), dbSNP rs765369462, ClinGen allele CA2901413.
Genomic context (GRCh38, chr4:41,745,949, plus strand): 5'-CCAAGCGAATCCGGGATGGAGGTGATGGGGCCGGGGCCGGGAGCCCAGCCTTGTCCAGGG[C>A]CCCCAGCCGCAGCCAGGCCTCCAGCTGCCGCCGCTGCCGCTGCCGCCGCCGCCGCTGCCG-3'
Protein context (NP_003915.2, residues 258-278): AAAGGLAAAG[Gly268Val]PGQGWAPGPG

ClinVar aggregate classification (germline): Uncertain significance. Review status: criteria provided, multiple submitters, no conflicts (2 of 4 stars). 2 submissions from 2 submitters: Uncertain significance (2). Last evaluated 2025-10-25.

Conditions:
Hereditary cancer-predisposing syndrome. Also called: Tumor predisposition; Hereditary neoplastic syndrome; Neoplastic Syndromes, Hereditary; Hereditary Cancer Syndrome. Identifiers: Orphanet 140162, MedGen C0027672, MeSH D009386, MONDO:0015356.
Haddad syndrome (OHD). Also called: Ondine-Hirschsprung disease. Identifiers: Orphanet 99803, MedGen C1859049, MONDO:0020493.

Submissions (2):

Ambry Genetics
Classification: Uncertain significance for Hereditary cancer-predisposing syndrome. Last evaluated: 2025-10-25. Review status: criteria provided, single submitter. Criteria: Ambry Variant Classification Scheme 2023. Collection method: clinical testing. Allele origin: germline.
Comment: The p.G268V variant (also known as c.803G>T), located in coding exon 3 of the PHOX2B gene, results from a G to T substitution at nucleotide position 803. The glycine at codon 268 is replaced by valine, an amino acid with dissimilar properties. This amino acid position is conserved. In addition, the in silico prediction for this alteration is inconclusive. Since supporting evidence is limited at this time, the clinical significance of this alteration remains unclear.

Labcorp Genetics (formerly Invitae), Labcorp
Classification: Uncertain significance for Haddad syndrome. Last evaluated: 2021-08-07. Review status: criteria provided, single submitter. Criteria: Invitae Variant Classification Sherloc (09022015). Collection method: clinical testing. Allele origin: germline.
Comment: This sequence change replaces glycine with valine at codon 268 of the PHOX2B protein (p.Gly268Val). The glycine residue is moderately conserved and there is a moderate physicochemical difference between glycine and valine. This variant is present in population databases (rs765369462, ExAC 0.002%). This variant has not been reported in the literature in individuals with PHOX2B-related conditions. In summary, the available evidence is currently insufficient to determine the role of this variant in disease. Therefore, it has been classified as a Variant of Uncertain Significance.